The following is an entry in ClinVar:

ClinVar aggregate classification (germline): Uncertain significance. Review status: criteria provided, multiple submitters, no conflicts (2 of 4 stars). 2 submissions from 2 submitters: Uncertain significance (2). Last evaluated 2025-02-13.

Allele frequency attached by ClinVar (database versions not stated): gnomAD exomes 0.00001; ExAC 0.00002; TOPMed 0.00002; gnomAD 0.00003; ESP Exome Variant Server 0.00008; 1000 Genomes Project 30x 0.00016; 1000 Genomes Project 0.00020.
gnomAD v4.1: 13 of 1,598,650 alleles (0.00081%); highest among the groups gnomAD compares: African/African-American, 0.0013%; no homozygotes.

Submissions (2):

Labcorp Genetics (formerly Invitae), Labcorp
Classification: Uncertain significance. Last evaluated: 2025-02-13. Review status: criteria provided, single submitter. Criteria: Invitae Variant Classification Sherloc (09022015). Collection method: clinical testing. Allele origin: germline.
Comment: This sequence change replaces serine, which is neutral and polar, with phenylalanine, which is neutral and non-polar, at codon 236 of the POC5 protein (p.Ser236Phe). This variant is present in population databases (rs138440768, gnomAD 0.003%). This variant has not been reported in the literature in individuals affected with POC5-related conditions. ClinVar contains an entry for this variant (Variation ID: 2379696). An algorithm developed to predict the effect of missense changes on protein structure and function (PolyPhen-2) suggests that this variant is likely to be disruptive. In summary, the available evidence is currently insufficient to determine the role of this variant in disease. Therefore, it has been classified as a Variant of Uncertain Significance.

Ambry Genetics
Classification: Uncertain significance. Last evaluated: 2022-04-21. Review status: criteria provided, single submitter. Criteria: Ambry Variant Classification Scheme 2023. Collection method: clinical testing. Allele origin: germline.

NM_001099271.2(POC5):c.707C>T (p.Ser236Phe)

Gene: POC5 (POC5 centriolar protein; minus strand). Cytogenetic location: 5q13.3.
Variant type: single nucleotide variant.
Coding change: c.707C>T on transcript NM_001099271.2 (MANE Select); coding-DNA position 707, C replaced by T.
Protein change: p.Ser236Phe; replaces serine 236 with phenylalanine.
Molecular consequence: missense variant.
Genome position (GRCh38, 1-based): chr5:75,692,484, G>A on the plus strand (C>T on the coding strand, the complement: POC5 is on the minus strand). VCF-style: chr5-75692484-G-A. GRCh37 (hg19) VCF-style: chr5-74988309-G-A.
Other names: c.632C>T, p.Ser211Phe (NM_152408.3); short protein forms S211F, S236F.
Identifiers: ClinVar variation 2379696 (VCV002379696.3), dbSNP rs138440768, ClinGen allele CA3310506.